The following is an entry in ClinVar:

ClinVar aggregate classification (germline): Uncertain significance (1 of 4 stars; one submission).

Conditions:
Neurofibromatosis, type 1 (NF1). Also called: VON RECKLINGHAUSEN DISEASE; Neurofibromatosis, type I; NEUROFIBROMATOSIS, TYPE I, SOMATIC; Peripheral type neurofibromatosis. Identifiers: Orphanet 636, MedGen C0027831, MONDO:0018975, OMIM 162200. Disease mechanism: loss of function.

Submission:

Labcorp Genetics (formerly Invitae), Labcorp
Classification: Uncertain significance for Neurofibromatosis, type 1. Last evaluated: 2025-03-26. Review status: criteria provided, single submitter. Criteria: Invitae Variant Classification Sherloc (09022015). Collection method: clinical testing. Allele origin: germline.
Comment: This sequence change replaces leucine, which is neutral and non-polar, with phenylalanine, which is neutral and non-polar, at codon 1208 of the NF1 protein (p.Leu1208Phe). This variant is not present in population databases (gnomAD no frequency). This variant has not been reported in the literature in individuals affected with NF1-related conditions. Invitae Evidence Modeling of protein sequence and biophysical properties (such as structural, functional, and spatial information, amino acid conservation, physicochemical variation, residue mobility, and thermodynamic stability) indicates that this missense variant is not expected to disrupt NF1 protein function with a negative predictive value of 95%. This variant disrupts the clinical features of NF1-related conditions amino acid residue in NF1. Other variant(s) that disrupt this residue have been determined to be pathogenic (PMID: 26635368). This suggests that this residue is clinically significant, and that variants that disrupt this residue are likely to be disease-causing. In summary, the available evidence is currently insufficient to determine the role of this variant in disease. Therefore, it has been classified as a Variant of Uncertain Significance.

Literature cited by the submitters: PubMed 26635368.

NM_001042492.3(NF1):c.3624G>C (p.Leu1208Phe)

Gene: NF1 (neurofibromin 1; plus strand). Cytogenetic location: 17q11.2.
Variant type: single nucleotide variant.
Coding change: c.3624G>C on transcript NM_001042492.3 (MANE Select); coding-DNA position 3624, G replaced by C.
Protein change: p.Leu1208Phe; replaces leucine 1208 with phenylalanine.
Molecular consequence: missense variant.
Genome position (GRCh38, 1-based): chr17:31,233,129, G>C. VCF-style: chr17-31233129-G-C. GRCh37 (hg19) VCF-style: chr17-29560147-G-C.
Other names: c.3624G>C, p.Leu1208Phe (NM_000267.4); short protein forms L1208F.
Identifiers: ClinVar variation 4800756 (VCV004800756.1).